The following is an entry in ClinVar:

ClinVar aggregate classification (germline): Pathogenic (1 of 4 stars; one submission).

Conditions:
Familial thoracic aortic aneurysm and aortic dissection (TAAD). Also called: Thoracic aortic aneurysms and dissections. Identifiers: Orphanet 91387, MedGen C4707243, MONDO:0019625.

Submission:

Ambry Genetics
Classification: Pathogenic for Familial thoracic aortic aneurysm and aortic dissection. Last evaluated: 2022-06-09. Review status: criteria provided, single submitter. Criteria: Ambry Variant Classification Scheme 2023. Collection method: clinical testing. Allele origin: germline.
Comment: The p.G291* pathogenic mutation (also known as c.871G>T), located in coding exon 6 of the SMAD3 gene, results from a G to T substitution at nucleotide position 871. This changes the amino acid from a glycine to a stop codon within coding exon 6. This alteration is expected to result in loss of function by premature protein truncation or nonsense-mediated mRNA decay. As such, this alteration is interpreted as a disease-causing mutation.

NM_005902.4(SMAD3):c.871G>T (p.Gly291Ter)

Gene: SMAD3 (SMAD family member 3; plus strand). Cytogenetic location: 15q22.33.
Variant type: single nucleotide variant.
Coding change: c.871G>T on transcript NM_005902.4 (MANE Select); coding-DNA position 871, G replaced by T.
Protein change: p.Gly291Ter; replaces glycine 291 with a stop codon.
Molecular consequence: nonsense.
Genome position (GRCh38, 1-based): chr15:67,181,453, G>T. VCF-style: chr15-67181453-G-T. GRCh37 (hg19) VCF-style: chr15-67473791-G-T.
Other names: c.556G>T, p.Gly186Ter (NM_001145102.2); c.739G>T, p.Gly247Ter (NM_001145103.2); c.286G>T, p.Gly96Ter (NM_001145104.2); short protein forms G291*, G247*, G186*, G96*.
Identifiers: ClinVar variation 520182 (VCV000520182.5), dbSNP rs730880215, ClinGen allele CA392956433.